The following is an entry in ClinVar:

ClinVar aggregate classification (germline): Uncertain significance. Review status: criteria provided, multiple submitters, no conflicts (2 of 4 stars). 2 submissions from 2 submitters: Uncertain significance (2). Last evaluated 2024-10-17.

Conditions:
Inborn genetic diseases. Identifiers: MedGen C0950123, MeSH D030342.
Myasthenic syndrome, congenital, 22 (CMS22). Also called: PREPL DEFICIENCY. Identifiers: MedGen C4479088, MONDO:0044299, OMIM 616224.

Allele frequency attached by ClinVar (database versions not stated): TOPMed 0.00002; gnomAD exomes 0.00008; ExAC 0.00009; gnomAD 0.00001.

Submissions (2):

Ambry Genetics
Classification: Uncertain significance for Inborn genetic diseases. Last evaluated: 2024-10-17. Review status: criteria provided, single submitter. Criteria: Ambry Variant Classification Scheme 2023. Collection method: clinical testing. Allele origin: germline.

Labcorp Genetics (formerly Invitae), Labcorp
Classification: Uncertain significance for Myasthenic syndrome, congenital, 22. Last evaluated: 2022-07-19. Review status: criteria provided, single submitter. Criteria: Invitae Variant Classification Sherloc (09022015). Collection method: clinical testing. Allele origin: germline.
Comment: In summary, the available evidence is currently insufficient to determine the role of this variant in disease. Therefore, it has been classified as a Variant of Uncertain Significance. Algorithms developed to predict the effect of missense changes on protein structure and function output the following: SIFT: "Tolerated"; PolyPhen-2: "Benign"; Align-GVGD: "Class C0". The asparagine amino acid residue is found in multiple mammalian species, which suggests that this missense change does not adversely affect protein function. This sequence change replaces aspartic acid, which is acidic and polar, with asparagine, which is neutral and polar, at codon 287 of the PREPL protein (p.Asp287Asn). This variant is present in population databases (rs748610072, gnomAD 0.1%). This variant has not been reported in the literature in individuals affected with PREPL-related conditions. ClinVar contains an entry for this variant (Variation ID: 478321).

NM_001171613.2(PREPL):c.592G>A (p.Asp198Asn)

Gene: PREPL (prolyl endopeptidase like; minus strand). Cytogenetic location: 2p21.
Variant type: single nucleotide variant.
Coding change: c.592G>A on transcript NM_001171613.2 (MANE Select); coding-DNA position 592, G replaced by A.
Protein change: p.Asp198Asn; replaces aspartic acid 198 with asparagine.
Molecular consequence: missense variant.
Genome position (GRCh38, 1-based): chr2:44,339,257, C>T on the plus strand (G>A on the coding strand, the complement: PREPL is on the minus strand). VCF-style: chr2-44339257-C-T. GRCh37 (hg19) VCF-style: chr2-44566396-C-T.
Other names: c.859G>A, p.Asp287Asn (NM_006036.4, NM_001042385.2, NM_001042386.2 and 4 more transcripts); c.592G>A, p.Asp198Asn (NM_001171617.1, NM_001374277.1); short protein forms D287N, D198N.
Identifiers: ClinVar variation 478321 (VCV000478321.9), dbSNP rs748610072, ClinGen allele CA1641414.